The following is an entry in ClinVar:

NM_015378.4(VPS13D):c.4834G>A (p.Val1612Ile)

Gene: VPS13D (vacuolar protein sorting 13 homolog D; plus strand). Cytogenetic location: 1p36.22.
Variant type: single nucleotide variant.
Coding change: c.4834G>A on transcript NM_015378.4 (MANE Select); coding-DNA position 4834, G replaced by A.
Protein change: p.Val1612Ile; replaces valine 1612 with isoleucine.
Molecular consequence: missense variant.
Genome position (GRCh38, 1-based): chr1:12,282,936, G>A. VCF-style: chr1-12282936-G-A. GRCh37 (hg19) VCF-style: chr1-12342993-G-A.
Other names: c.4834G>A, p.Val1612Ile (NM_018156.4); short protein forms V1612I.
Identifiers: ClinVar variation 2059549 (VCV002059549.4), dbSNP rs767781372, ClinGen allele CA602220.

ClinVar aggregate classification (germline): Uncertain significance (1 of 4 stars; one submission).

Allele frequency attached by ClinVar (database versions not stated): gnomAD 0.00001; gnomAD exomes below 0.00001; ExAC 0.00001; TOPMed 0.00002.
gnomAD v4.1: 4 of 1,614,074 alleles (0.00025%); highest among the groups gnomAD compares: African/African-American, 0.0027%; no homozygotes.

Submission:

Labcorp Genetics (formerly Invitae), Labcorp
Classification: Uncertain significance. Last evaluated: 2024-10-23. Review status: criteria provided, single submitter. Criteria: Invitae Variant Classification Sherloc (09022015). Collection method: clinical testing. Allele origin: germline.
Comment: This sequence change replaces valine, which is neutral and non-polar, with isoleucine, which is neutral and non-polar, at codon 1612 of the VPS13D protein (p.Val1612Ile). This variant is present in population databases (rs767781372, gnomAD 0.003%). This variant has not been reported in the literature in individuals affected with VPS13D-related conditions. ClinVar contains an entry for this variant (Variation ID: 2059549). Invitae Evidence Modeling of protein sequence and biophysical properties (such as structural, functional, and spatial information, amino acid conservation, physicochemical variation, residue mobility, and thermodynamic stability) indicates that this missense variant is not expected to disrupt VPS13D protein function with a negative predictive value of 80%. In summary, the available evidence is currently insufficient to determine the role of this variant in disease. Therefore, it has been classified as a Variant of Uncertain Significance.